The following is an entry in ClinVar:

ClinVar aggregate classification (germline): Uncertain significance (1 of 4 stars; one submission).

Conditions:
Bethlem myopathy 1A. Also called: Bethlem Muscular Dystrophy; MYOPATHY, BENIGN CONGENITAL, WITH CONTRACTURES; Bethlem myopathy 1. Identifiers: Orphanet 610, MedGen CN029274, MONDO:0024530, OMIM 158810.

Allele frequency attached by ClinVar (database versions not stated): gnomAD exomes below 0.00001; TOPMed 0.00002.
gnomAD v4.1: 2 of 1,610,890 alleles (0.00012%); highest among the groups gnomAD compares: Non-Finnish European, 0.00017%; no homozygotes.

Submission:

Labcorp Genetics (formerly Invitae), Labcorp
Classification: Uncertain significance for Bethlem myopathy 1A. Last evaluated: 2020-08-23. Review status: criteria provided, single submitter. Criteria: Invitae Variant Classification Sherloc (09022015). Collection method: clinical testing. Allele origin: germline.
Comment: This variant has not been reported in the literature in individuals with COL6A1-related conditions. In summary, the available evidence is currently insufficient to determine the role of this variant in disease. Therefore, it has been classified as a Variant of Uncertain Significance. Advanced modeling of protein sequence and biophysical properties (such as structural, functional, and spatial information, amino acid conservation, physicochemical variation, residue mobility, and thermodynamic stability) performed at Invitae indicates that this missense variant is not expected to disrupt COL6A1 protein function. This variant is not present in population databases (ExAC no frequency). This sequence change replaces leucine with phenylalanine at codon 616 of the COL6A1 protein (p.Leu616Phe). The leucine residue is moderately conserved and there is a small physicochemical difference between leucine and phenylalanine.

NM_001848.3(COL6A1):c.1846C>T (p.Leu616Phe)

Gene: COL6A1 (collagen type VI alpha 1 chain; plus strand). Cytogenetic location: 21q22.3.
Variant type: single nucleotide variant.
Coding change: c.1846C>T on transcript NM_001848.3 (MANE Select); coding-DNA position 1846, C replaced by T.
Protein change: p.Leu616Phe; replaces leucine 616 with phenylalanine.
Molecular consequence: missense variant.
Genome position (GRCh38, 1-based): chr21:46,001,276, C>T. VCF-style: chr21-46001276-C-T. GRCh37 (hg19) VCF-style: chr21-47421190-C-T.
Other names: short protein forms L616F.
Identifiers: ClinVar variation 1005264 (VCV001005264.9), dbSNP rs1423091612, ClinGen allele CA410533122.